The following is an entry in ClinVar:

ClinVar aggregate classification (germline): Pathogenic (1 of 4 stars; one submission).

Conditions:
Autistic behavior. Identifiers: MedGen C0856975, HP:0000729.

Allele frequency attached by ClinVar (database versions not stated): gnomAD exomes below 0.00001.

Submission:

Laboratory of Medical Genetics, National & Kapodistrian University of Athens
Classification: Pathogenic for Autistic behavior. Last evaluated: 2021-11-01. Review status: criteria provided, single submitter. Criteria: ACMG Guidelines, 2015. Collection method: clinical testing. Allele origin: de novo. Affected: yes.
Comment: PVS1, PS2, PM2

NM_003024.3(ITSN1):c.473del (p.Leu158fs)

Gene: ITSN1 (intersectin 1; plus strand). Cytogenetic location: 21q22.11.
Variant type: Deletion.
Coding change: c.473del on transcript NM_003024.3 (MANE Select); coding-DNA position 473, one base deleted (T; older notation c.473delT).
Protein change: p.Leu158fs; shifts the reading frame from leucine 158.
Molecular consequence: frameshift variant.
Genome position (GRCh38, 1-based): chr21:33,750,269, T deleted. VCF-style (leftmost placement, unchanged base first): chr21-33750268-CT-C. GRCh37 (hg19) VCF-style: chr21-35122573-CT-C.
Other names: c.473del, p.Leu158fs (NM_001001132.2, NM_001331008.2, NM_001331009.2 and 2 more transcripts); c.362del, p.Leu121fs (NM_001331012.2); short protein forms L121fs, L158fs.
Identifiers: ClinVar variation 1708060 (VCV001708060.1), dbSNP rs2517016417, ClinGen allele CA2580098597.